The following is an entry in ClinVar:

ClinVar aggregate classification (germline): Uncertain significance. Review status: criteria provided, multiple submitters, no conflicts (2 of 4 stars). 4 submissions from 4 submitters: Uncertain significance (4). Last evaluated 2025-08-11.

Conditions:
Inborn genetic diseases. Identifiers: MedGen C0950123, MeSH D030342.
Hypokalemic periodic paralysis, type 1. Also called: Hypokalemic Periodic Paralysis Type 1 (AD); HypoPP. Identifiers: Orphanet 681, MedGen C3714580, MONDO:0042979, OMIM 170400.
Malignant hyperthermia, susceptibility to, 5 (MHS5). Also called: CACNA1S-Related Malignant Hyperthermia Susceptibility. Identifiers: Orphanet 423, MedGen C1866077, MONDO:0011163, OMIM 601887.

Allele frequency attached by ClinVar (database versions not stated): ExAC 0.00001; gnomAD exomes 0.00002; TOPMed 0.00002; gnomAD 0.00003.
gnomAD v4.1: 29 of 1,614,018 alleles (0.0018%); highest among the groups gnomAD compares: East Asian, 0.0022%; no homozygotes.

Submissions (4):

Labcorp Genetics (formerly Invitae), Labcorp
Classification: Uncertain significance for Hypokalemic periodic paralysis, type 1; Malignant hyperthermia, susceptibility to, 5. Last evaluated: 2025-08-11. Review status: criteria provided, single submitter. Criteria: Invitae Variant Classification Sherloc (09022015). Collection method: clinical testing. Allele origin: germline.
Comment: This sequence change replaces glycine, which is neutral and non-polar, with serine, which is neutral and polar, at codon 109 of the CACNA1S protein (p.Gly109Ser). This variant is present in population databases (rs764602257, gnomAD 0.01%). This variant has not been reported in the literature in individuals affected with CACNA1S-related conditions. ClinVar contains an entry for this variant (Variation ID: 642075). Invitae Evidence Modeling of protein sequence and biophysical properties (such as structural, functional, and spatial information, amino acid conservation, physicochemical variation, residue mobility, and thermodynamic stability) has been performed for this missense variant. However, the output from this modeling did not meet the statistical confidence thresholds required to predict the impact of this variant on CACNA1S protein function. In summary, the available evidence is currently insufficient to determine the role of this variant in disease. Therefore, it has been classified as a Variant of Uncertain Significance.

Color Diagnostics, LLC DBA Color Health
Classification: Uncertain significance for Malignant hyperthermia, susceptibility to, 5. Last evaluated: 2025-07-18. Review status: criteria provided, single submitter. Criteria: ACMG Guidelines, 2015. Collection method: clinical testing. Allele origin: germline.
Comment: This missense variant replaces glycine with serine at codon 109 of the CACNA1S protein. Computational prediction suggests that this variant may have deleterious impact on protein structure and function. To our knowledge, functional studies have not been reported for this variant. This variant has not been reported in individuals affected with CACNA1S-related disorders in the literature. This variant has been identified in 5/282884 chromosomes in the general population by the Genome Aggregation Database (gnomAD). The available evidence is insufficient to determine the role of this variant in disease conclusively. Therefore, this variant is classified as a Variant of Uncertain Significance.

Ambry Genetics
Classification: Uncertain significance for Inborn genetic diseases. Last evaluated: 2024-06-28. Review status: criteria provided, single submitter. Criteria: Ambry Variant Classification Scheme 2023. Collection method: clinical testing. Allele origin: germline.

All of Us Research Program, National Institutes of Health
Classification: Uncertain significance for Malignant hyperthermia, susceptibility to, 5. Last evaluated: 2023-05-08. Review status: criteria provided, single submitter. Criteria: ACMG Guidelines, 2015. Collection method: clinical testing. Allele origin: germline. Inheritance: Autosomal dominant inheritance. Observed: 3 variant alleles, 3 heterozygotes.
Comment: This missense variant replaces glycine with serine at codon 109 of the CACNA1S protein. Computational prediction suggests that this variant may have deleterious impact on protein structure and function (internally defined REVEL score threshold >= 0.7, PMID: 27666373). To our knowledge, functional studies have not been reported for this variant. This variant has not been reported in individuals affected with CACNA1S-related disorders in the literature. This variant has been identified in 5/282884 chromosomes in the general population by the Genome Aggregation Database (gnomAD). The available evidence is insufficient to determine the role of this variant in disease conclusively. Therefore, this variant is classified as a Variant of Uncertain Significance.

This study involves interpretation of variants in research participants for the purpose of population health screening. Participant phenotype was not available at the time of variant classification. Additional details can be found in publication PMID: 35346344, PMCID: PMC8962531

NM_000069.3(CACNA1S):c.325G>A (p.Gly109Ser)

Gene: CACNA1S (calcium voltage-gated channel subunit alpha1 S; minus strand). Cytogenetic location: 1q32.1.
Variant type: single nucleotide variant.
Coding change: c.325G>A on transcript NM_000069.3 (MANE Select); coding-DNA position 325, G replaced by A.
Protein change: p.Gly109Ser; replaces glycine 109 with serine.
Molecular consequence: missense variant.
Genome position (GRCh38, 1-based): chr1:201,093,955, C>T on the plus strand (G>A on the coding strand, the complement: CACNA1S is on the minus strand). VCF-style: chr1-201093955-C-T. GRCh37 (hg19) VCF-style: chr1-201063083-C-T.
Other names: short protein forms G109S.
Identifiers: ClinVar variation 642075 (VCV000642075.5), dbSNP rs764602257, ClinGen allele CA079626.